The following is an entry in ClinVar:

ClinVar aggregate classification (germline): Uncertain significance (1 of 4 stars; one submission).

Conditions:
Malignant hyperthermia, susceptibility to, 1 (MHS1). Also called: RYR1-Related Malignant Hyperthermia Susceptibility; Anesthesia related hyperthermia; Malignant hyperpyrexia; Fulminating hyperpyrexia; Pharmacogenic myopathy; Malignant hyperthermia suceptibility 1. Identifiers: Orphanet 423, MedGen C2930980, MONDO:0007783, OMIM 145600.

Submission:

All of Us Research Program, National Institutes of Health
Classification: Uncertain significance for Malignant hyperthermia, susceptibility to, 1. Last evaluated: 2023-12-18. Review status: criteria provided, single submitter. Criteria: ACMG Guidelines, 2015. Collection method: clinical testing. Allele origin: germline. Inheritance: Autosomal dominant inheritance. Observed: 1 variant allele, 1 heterozygote.
Comment: This missense variant replaces aspartic acid with asparagine at codon 3676 of the RYR1 protein. Computational prediction is inconclusive regarding the impact of this variant on protein structure and function (internally defined REVEL score threshold 0.6 < inconclusive < 0.85, PMID: 27666373). To our knowledge, functional studies have not been reported for this variant. This variant has not been reported in individuals affected with RYR1-related disorders in the literature. This variant has not been identified in the general population by the Genome Aggregation Database (gnomAD). The available evidence is insufficient to determine the role of this variant in disease conclusively. Therefore, this variant is classified as a Variant of Uncertain Significance.

This study involves interpretation of variants in research participants for the purpose of population health screening. Participant phenotype was not available at the time of variant classification. Additional details can be found in publication PMID: 35346344, PMCID: PMC8962531

NM_000540.3(RYR1):c.11026G>A (p.Asp3676Asn)

Gene: RYR1 (ryanodine receptor 1; plus strand). Cytogenetic location: 19q13.2.
Variant type: single nucleotide variant.
Coding change: c.11026G>A on transcript NM_000540.3 (MANE Select); coding-DNA position 11026, G replaced by A.
Protein change: p.Asp3676Asn; replaces aspartic acid 3676 with asparagine.
Molecular consequence: missense variant.
Genome position (GRCh38, 1-based): chr19:38,528,687, G>A. VCF-style: chr19-38528687-G-A. GRCh37 (hg19) VCF-style: chr19-39019327-G-A.
Other names: c.11011G>A, p.Asp3671Asn (NM_001042723.2); short protein forms D3671N, D3676N.
Identifiers: ClinVar variation 3069263 (VCV003069263.1), dbSNP rs758277635, ClinGen allele CA405649866.